The following is an entry in ClinVar:

NM_001145809.2(MYH14):c.4098G>A (p.Lys1366=)

Gene: MYH14 (myosin heavy chain 14; plus strand). Cytogenetic location: 19q13.33.
Variant type: single nucleotide variant.
Coding change: c.4098G>A on transcript NM_001145809.2 (MANE Select); coding-DNA position 4098, G replaced by A.
Protein change: p.Lys1366=; no amino-acid change (lysine 1366 retained).
Molecular consequence: synonymous variant.
Genome position (GRCh38, 1-based): chr19:50,280,102, G>A. VCF-style: chr19-50280102-G-A. GRCh37 (hg19) VCF-style: chr19-50783359-G-A.
Other names: c.3999G>A, p.Lys1333= (NM_001077186.2); c.3975G>A, p.Lys1325= (NM_024729.4).
Identifiers: ClinVar variation 227578 (VCV000227578.4), dbSNP rs876657516, ClinGen allele CA10577110.

ClinVar aggregate classification (germline): Likely benign (1 of 4 stars; one submission).

Submission:

Laboratory for Molecular Medicine, Mass General Brigham Personalized Medicine
Classification: Likely benign. Last evaluated: 2015-07-21. Review status: criteria provided, single submitter. Criteria: LMM Criteria. Collection method: clinical testing. Allele origin: germline. Observed: 1 variant allele.
Comment: p.Lys1366Lys in exon 31 of MYH14: This variant is not expected to have clinical significance because it does not alter an amino acid residue and is not located within the splice consensus sequence.